The following is an entry in ClinVar:

NM_001195.5(BFSP1):c.1194G>T (p.Lys398Asn)

Gene: BFSP1 (beaded filament structural protein 1; minus strand). Cytogenetic location: 20p12.1.
Variant type: single nucleotide variant.
Coding change: c.1194G>T on transcript NM_001195.5 (MANE Select); coding-DNA position 1194, G replaced by T.
Protein change: p.Lys398Asn; replaces lysine 398 with asparagine.
Molecular consequence: missense variant.
Genome position (GRCh38, 1-based): chr20:17,494,878, C>A on the plus strand (G>T on the coding strand, the complement: BFSP1 is on the minus strand). VCF-style: chr20-17494878-C-A. GRCh37 (hg19) VCF-style: chr20-17475523-C-A.
Other names: c.819G>T, p.Lys273Asn (NM_001161705.2); c.777G>T, p.Lys259Asn (NM_001278606.2, NM_001278608.2); c.861G>T, p.Lys287Asn (NM_001278607.2); c.1086G>T, p.Lys362Asn (NM_001424338.1); short protein forms K259N, K273N, K287N, K362N, K398N.
Identifiers: ClinVar variation 3391681 (VCV003391681.1).
Genomic context (GRCh38, chr20:17,494,878, plus strand): 5'-TTCTTTACTTTCTGATTCAAACTTAGATTCACTTTCCTCTTTAAGTACCACCTGTACCAG[C>A]TTTGTGTCTTCCAAACCTTTTAATGGTGCATCTTCCAGAGCTCCGTTGGTTTTGTCTTTT-3'
Protein context (NP_001186.1, residues 388-408): DAPLKGLEDT[Lys398Asn]LVQVVLKEES

ClinVar aggregate classification (germline): Uncertain significance (1 of 4 stars; one submission).

gnomAD v4.1: 315 of 1,614,098 alleles (0.02%); highest among the groups gnomAD compares: Non-Finnish European, 0.026%; no homozygotes.

Submission:

GeneDx
Classification: Uncertain significance. Last evaluated: 2024-06-18. Review status: criteria provided, single submitter. Criteria: GeneDx Variant Classification Process June 2021. Collection method: clinical testing. Allele origin: germline. Affected: yes.
Comment: In silico analysis indicates that this missense variant does not alter protein structure/function; Has not been previously published as pathogenic or benign to our knowledge